The following is an entry in ClinVar:

ClinVar aggregate classification (germline): Conflicting classifications of pathogenicity. Review status: criteria provided, conflicting classifications (1 of 4 stars). 3 submissions from 3 submitters: Pathogenic (1); Likely pathogenic (1); Uncertain significance (1). Last evaluated 2025-06-18.

Conditions:
Desmin-related myofibrillar myopathy (MFM1). Also called: MYOFIBRILLAR MYOPATHY WITH ARRHYTHMOGENIC RIGHT VENTRICULAR CARDIOMYOPATHY; DESMIN-RELATED MYOPATHY WITH ARRHYTHMOGENIC RIGHT VENTRICULAR CARDIOMYOPATHY; Myofibrillar myopathy 1; Desminopathy; Desmin related myopathy (former name); Desmin storage myopathy (former name). Identifiers: Orphanet 363543, Orphanet 98909, MedGen C1832370, MONDO:0011076, OMIM 601419.
Cardiomyopathy (CMYO). Also called: Cardiomyopathies. Identifiers: Orphanet 167848, MedGen C0878544, MONDO:0004994, HP:0001638. Inheritance: Various modes of inheritance.

Allele frequency attached by ClinVar (database versions not stated): gnomAD exomes below 0.00001.
gnomAD v4.1: 1 of 1,613,986 alleles (0.000062%); highest among the groups gnomAD compares: Non-Finnish European, 0.000085%; no homozygotes.

Submissions (3):

GeneDx
Classification: Likely pathogenic. Last evaluated: 2025-06-18. Review status: criteria provided, single submitter. Criteria: GeneDx Variant Classification Process June 2021. Collection method: clinical testing. Allele origin: germline. Affected: yes.
Comment: Has not been previously published as pathogenic or benign to our knowledge; Not observed at significant frequency in large population cohorts (gnomAD); In silico analysis supports that this missense variant has a deleterious effect on protein structure/function; This variant is associated with the following publications: (PMID: 26807690)

Labcorp Genetics (formerly Invitae), Labcorp
Classification: Pathogenic for Desmin-related myofibrillar myopathy. Last evaluated: 2024-04-04. Review status: criteria provided, single submitter. Criteria: Invitae Variant Classification Sherloc (09022015). Collection method: clinical testing. Allele origin: germline.
Comment: This sequence change replaces histidine, which is basic and polar, with tyrosine, which is neutral and polar, at codon 326 of the DES protein (p.His326Tyr). This variant is not present in population databases (gnomAD no frequency). This missense change has been observed in individuals with autosomal dominant DES-related conditions (Invitae). It has also been observed to segregate with disease in related individuals. ClinVar contains an entry for this variant (Variation ID: 201705). Advanced modeling of protein sequence and biophysical properties (such as structural, functional, and spatial information, amino acid conservation, physicochemical variation, residue mobility, and thermodynamic stability) has been performed at Invitae for this missense variant, however the output from this modeling did not meet the statistical confidence thresholds required to predict the impact of this variant on DES protein function. For these reasons, this variant has been classified as Pathogenic.

CHEO Genetics Diagnostic Laboratory, Children's Hospital of Eastern Ontario
Classification: Uncertain significance for Cardiomyopathy. Last evaluated: 2020-12-18. Review status: criteria provided, single submitter. Criteria: ACMG Guidelines, 2015. Collection method: clinical testing. Allele origin: germline.

NM_001927.4(DES):c.976C>T (p.His326Tyr)

Gene: DES (desmin; plus strand). Cytogenetic location: 2q35.
Variant type: single nucleotide variant.
Coding change: c.976C>T on transcript NM_001927.4 (MANE Select); coding-DNA position 976, C replaced by T.
Protein change: p.His326Tyr; replaces histidine 326 with tyrosine.
Molecular consequence: missense variant.
Genome position (GRCh38, 1-based): chr2:219,420,906, C>T. VCF-style: chr2-219420906-C-T. GRCh37 (hg19) VCF-style: chr2-220285628-C-T.
Other names: p.H326Y:CAC>TAC; c.976C>T (LRG_380t1); short protein forms H326Y.
Identifiers: ClinVar variation 201705 (VCV000201705.15), dbSNP rs794728987, ClinGen allele CA308269.
Genomic context (GRCh38, chr2:219,420,906, plus strand): 5'-GCAGCCAACAAGAACAACGACGCCCTGCGCCAGGCCAAGCAGGAGATGATGGAATACCGA[C>T]ACCAGATCCAGTCCTACACCTGCGAGATTGACGCCCTGAAGGGCACTGTGAGTCCCTGCC-3'
Protein context (NP_001918.3, residues 316-336): QAKQEMMEYR[His326Tyr]QIQSYTCEID